The following is an entry in ClinVar:

ClinVar aggregate classification (germline): Uncertain significance (1 of 4 stars; one submission).

Submission:

GeneDx
Classification: Uncertain significance. Last evaluated: 2023-12-22. Review status: criteria provided, single submitter. Criteria: GeneDx Variant Classification Process June 2021. Collection method: clinical testing. Allele origin: germline. Affected: yes.
Comment: In silico analysis supports that this missense variant has a deleterious effect on protein structure/function; In silico analysis is inconclusive as to whether the variant alters gene splicing. In the absence of RNA/functional studies, the actual effect of this sequence change is unknown.; Not observed at significant frequency in large population cohorts (gnomAD); Has not been previously published as pathogenic or benign to our knowledge

NM_001846.4(COL4A2):c.904G>A (p.Gly302Arg)

Gene: COL4A2 (collagen type IV alpha 2 chain; plus strand). Cytogenetic location: 13q34.
Variant type: single nucleotide variant.
Coding change: c.904G>A on transcript NM_001846.4 (MANE Select); coding-DNA position 904, G replaced by A.
Protein change: p.Gly302Arg; replaces glycine 302 with arginine.
Molecular consequence: missense variant.
Genome position (GRCh38, 1-based): chr13:110,438,660, G>A. VCF-style: chr13-110438660-G-A. GRCh37 (hg19) VCF-style: chr13-111091007-G-A.
Other names: short protein forms G302R.
Identifiers: ClinVar variation 3370240 (VCV003370240.1).